The following is an entry in ClinVar:

ClinVar aggregate classification (germline): Uncertain significance (1 of 4 stars; one submission).

gnomAD v4.1: 5 of 1,614,024 alleles (0.00031%); highest among the groups gnomAD compares: African/African-American, 0.0013%; no homozygotes.

Submission:

Labcorp Genetics (formerly Invitae), Labcorp
Classification: Uncertain significance. Last evaluated: 2025-04-09. Review status: criteria provided, single submitter. Criteria: Invitae Variant Classification Sherloc (09022015). Collection method: clinical testing. Allele origin: germline.
Comment: This sequence change creates a premature translational stop signal (p.Arg171*) in the ATP6V1A gene. It is expected to result in an absent or disrupted protein product. However, the current clinical and genetic evidence is not sufficient to establish whether loss-of-function variants in ATP6V1A cause disease. This variant is not present in population databases (gnomAD no frequency). This variant has not been reported in the literature in individuals affected with ATP6V1A-related conditions. In summary, the available evidence is currently insufficient to determine the role of this variant in disease. Therefore, it has been classified as a Variant of Uncertain Significance.

NM_001690.4(ATP6V1A):c.511C>T (p.Arg171Ter)

Gene: ATP6V1A (ATPase H+ transporting V1 subunit A; plus strand). Cytogenetic location: 3q13.31.
Variant type: single nucleotide variant.
Coding change: c.511C>T on transcript NM_001690.4 (MANE Select); coding-DNA position 511, C replaced by T.
Protein change: p.Arg171Ter; replaces arginine 171 with a stop codon.
Molecular consequence: nonsense.
Genome position (GRCh38, 1-based): chr3:113,784,780, C>T. VCF-style: chr3-113784780-C-T. GRCh37 (hg19) VCF-style: chr3-113503627-C-T.
Other names: short protein forms R171*.
Identifiers: ClinVar variation 4759877 (VCV004759877.1).